The following is an entry in ClinVar:

ClinVar aggregate classification (germline): Conflicting classifications of pathogenicity. Review status: criteria provided, conflicting classifications (1 of 4 stars). 2 submissions from 2 submitters: Uncertain significance (1); Likely benign (1). Last evaluated 2025-10-17.

Conditions:
Hereditary cancer-predisposing syndrome. Also called: Hereditary neoplastic syndrome; Neoplastic Syndromes, Hereditary; Tumor predisposition; Hereditary Cancer Syndrome. Identifiers: Orphanet 140162, MedGen C0027672, MeSH D009386, MONDO:0015356.
Neuroblastoma, susceptibility to, 3. Also called: ALK-Related Neuroblastic Tumor Susceptibility. Identifiers: Orphanet 635, MedGen C2751681, MONDO:0013083, OMIM 613014.

Submissions (2):

Ambry Genetics
Classification: Likely benign for Hereditary cancer-predisposing syndrome. Last evaluated: 2025-10-17. Review status: criteria provided, single submitter. Criteria: Ambry Variant Classification Scheme 2023. Collection method: clinical testing. Allele origin: germline.

Labcorp Genetics (formerly Invitae), Labcorp
Classification: Uncertain significance for Neuroblastoma, susceptibility to, 3. Last evaluated: 2025-03-19. Review status: criteria provided, single submitter. Criteria: Invitae Variant Classification Sherloc (09022015). Collection method: clinical testing. Allele origin: germline.
Comment: This sequence change creates a premature translational stop signal (p.Leu1257Aspfs*27) in the ALK gene. It is expected to result in an absent or disrupted protein product. However, the current clinical and genetic evidence is not sufficient to establish whether loss-of-function variants in ALK cause disease. This variant is not present in population databases (gnomAD no frequency). This variant has not been reported in the literature in individuals affected with ALK-related conditions. ClinVar contains an entry for this variant (Variation ID: 470843). In summary, the available evidence is currently insufficient to determine the role of this variant in disease. Therefore, it has been classified as a Variant of Uncertain Significance.

NM_004304.5(ALK):c.3769_3770del (p.Leu1257fs)

Gene: ALK (ALK receptor tyrosine kinase; minus strand). Cytogenetic location: 2p23.2.
Variant type: Deletion.
Coding change: c.3769_3770del on transcript NM_004304.5 (MANE Select); coding-DNA positions 3769 to 3770, 2 bases deleted (TT; older notation c.3769_3770delTT).
Protein change: p.Leu1257fs; shifts the reading frame from leucine 1257.
Molecular consequence: frameshift variant.
Genome position (GRCh38, 1-based): chr2:29,209,852-29,209,853, AA deleted on the plus strand (TT on the coding strand, the reverse complement: ALK is on the minus strand). VCF-style (leftmost placement, unchanged base first): chr2-29209851-CAA-C. GRCh37 (hg19) VCF-style: chr2-29432717-CAA-C.
Other names: c.565_566del, p.Leu189fs (NM_001353765.2); short protein forms L1257fs, L189fs.
Identifiers: ClinVar variation 470843 (VCV000470843.10), dbSNP rs1553391515, ClinGen allele CA658655643.